The following is an entry in ClinVar:

NM_175634.3(RUNX1T1):c.1787C>T (p.Pro596Leu)

Gene: RUNX1T1 (RUNX1 partner transcriptional co-repressor 1; minus strand). Cytogenetic location: 8q21.3.
Variant type: single nucleotide variant.
Coding change: c.1787C>T on transcript NM_175634.3 (MANE Select); coding-DNA position 1787, C replaced by T.
Protein change: p.Pro596Leu; replaces proline 596 with leucine.
Molecular consequence: missense variant.
Genome position (GRCh38, 1-based): chr8:91,960,270, G>A on the plus strand (C>T on the coding strand, the complement: RUNX1T1 is on the minus strand). VCF-style: chr8-91960270-G-A. GRCh37 (hg19) VCF-style: chr8-92972498-G-A.
Other names: c.1787C>T (NM_175634.2); c.1706C>T, p.Pro569Leu (NM_001198625.2, NM_001198632.2, NM_004349.4); c.1787C>T, p.Pro596Leu (NM_001198626.2, NM_001198627.2, NM_001198628.2 and 3 more transcripts); c.1727C>T, p.Pro576Leu (NM_001198633.2); c.1820C>T, p.Pro607Leu (NM_001198634.2); c.1964C>T, p.Pro655Leu (NM_001198679.3); c.1871C>T, p.Pro624Leu (NM_001395209.1); c.1676C>T, p.Pro559Leu (NM_175635.3, NM_175636.2); short protein forms P559L, P569L, P576L, P596L, P607L, P624L, P655L.
Identifiers: ClinVar variation 4537765 (VCV004537765.2).
Genomic context (GRCh38, chr8:91,960,270, plus strand): 5'-TTGTCTTTCCTCCGACAGTTCTGAGTTCACGTCTAGCGAGGGGTTGTCTCTATGGTGGAA[G>A]GGGTTCCCGGGGTGGTTGACCTCGGAGTGGCTGCTGGTGGTGTGTCCATCGGGCTCCCAG-3'
Protein context (NP_783552.1, residues 586-604): ATPRSTTPGT[Pro596Leu]STIETTPR

ClinVar aggregate classification (germline): Uncertain significance (1 of 4 stars; one submission).

Submission:

GeneDx
Classification: Uncertain significance. Last evaluated: 2026-07-17. Review status: criteria provided, single submitter. Criteria: GeneDx Variant Classification Process June 2021. Collection method: clinical testing. Allele origin: germline.
Comment: Not observed at significant frequency in large population cohorts (gnomAD); In silico analysis supports that this missense variant has a deleterious effect on protein structure/function; Has not been previously published as pathogenic or benign to our knowledge